The following is an entry in ClinVar:

NM_001321120.2(TBX4):c.400T>C (p.Trp134Arg)

Gene: TBX4 (T-box transcription factor 4; plus strand). Cytogenetic location: 17q23.2.
Variant type: single nucleotide variant.
Coding change: c.400T>C on transcript NM_001321120.2 (MANE Select); coding-DNA position 400, T replaced by C.
Protein change: p.Trp134Arg; replaces tryptophan 134 with arginine.
Molecular consequence: missense variant.
Genome position (GRCh38, 1-based): chr17:61,465,937, T>C. VCF-style: chr17-61465937-T-C. GRCh37 (hg19) VCF-style: chr17-59543298-T-C.
Other names: c.400T>C, p.Trp134Arg (NM_018488.3); short protein forms W134R.
Identifiers: ClinVar variation 2758174 (VCV002758174.3), dbSNP rs2509553334, ClinGen allele CA400471215.

ClinVar aggregate classification (germline): Uncertain significance (1 of 4 stars; one submission).

Submission:

Labcorp Genetics (formerly Invitae), Labcorp
Classification: Uncertain significance. Last evaluated: 2023-09-05. Review status: criteria provided, single submitter. Criteria: Invitae Variant Classification Sherloc (09022015). Collection method: clinical testing. Allele origin: germline.
Comment: An algorithm developed to predict the effect of missense changes on protein structure and function (PolyPhen-2) suggests that this variant is likely to be disruptive. In summary, the available evidence is currently insufficient to determine the role of this variant in disease. Therefore, it has been classified as a Variant of Uncertain Significance. This missense change has been observed in individual(s) with pulmonary arterial hypertension (Invitae). This variant is not present in population databases (gnomAD no frequency). This sequence change replaces tryptophan, which is neutral and slightly polar, with arginine, which is basic and polar, at codon 134 of the TBX4 protein (p.Trp134Arg).